The following is an entry in ClinVar:

NM_001127222.2(CACNA1A):c.6281C>A (p.Pro2094His)

Gene: CACNA1A (calcium voltage-gated channel subunit alpha1 A; minus strand). Cytogenetic location: 19p13.13.
Variant type: single nucleotide variant.
Coding change: c.6281C>A on transcript NM_001127222.2 (MANE Select); coding-DNA position 6281, C replaced by A.
Protein change: p.Pro2094His; replaces proline 2094 with histidine.
Molecular consequence: missense variant.
Genome position (GRCh38, 1-based): chr19:13,212,125, G>T on the plus strand (C>A on the coding strand, the complement: CACNA1A is on the minus strand). VCF-style: chr19-13212125-G-T. GRCh37 (hg19) VCF-style: chr19-13322939-G-T.
Other names: c.6299C>A, p.Pro2100His (NM_000068.4, NM_023035.3); c.6284C>A, p.Pro2095His (NM_001127221.2); c.6290C>A, p.Pro2097His (NM_001174080.2); short protein forms P2097H, P2095H, P2100H, P2094H.
Identifiers: ClinVar variation 3571678 (VCV003571678.3).

ClinVar aggregate classification (germline): Uncertain significance. Review status: criteria provided, multiple submitters, no conflicts (2 of 4 stars). 2 submissions from 2 submitters: Uncertain significance (2). Last evaluated 2024-08-01.

Conditions:
Episodic ataxia type 2 (EA2). Also called: EPISODIC ATAXIA, NYSTAGMUS-ASSOCIATED; ACETAZOLAMIDE-RESPONSIVE HEREDITARY PAROXYSMAL CEREBELLAR ATAXIA; ATAXIA, EPISODIC, WITH NYSTAGMUS; ATAXIA, FAMILIAL PAROXYSMAL; CEREBELLAR ATAXIA, PAROXYSMAL, ACETAZOLAMIDE-RESPONSIVE; CEREBELLOPATHY, HEREDITARY PAROXYSMAL. Identifiers: Orphanet 97, MedGen C1720416, MONDO:0007163, OMIM 108500.
Developmental and epileptic encephalopathy, 42 (DEE42A). Also called: DEVELOPMENTAL AND EPILEPTIC ENCEPHALOPATHY 42A; EPILEPTIC ENCEPHALOPATHY, EARLY INFANTILE, 42A; Epileptic encephalopathy, early infantile, 42. Identifiers: MedGen C4310716, MONDO:0014917, OMIM 617106.

Submissions (2):

Athena Diagnostics
Classification: Uncertain significance. Last evaluated: 2024-08-01. Review status: criteria provided, single submitter. Criteria: Athena Diagnostics Criteria. Collection method: clinical testing. Allele origin: unknown.
Comment: Available data are insufficient to determine the clinical significance of the variant at this time. This variant has not been reported in large, multi-ethnic general populations. Polyphen and MutationTaster yielded discordant predictions regarding whether this amino acid change is damaging to the protein.

Labcorp Genetics (formerly Invitae), Labcorp
Classification: Uncertain significance for Developmental and epileptic encephalopathy, 42; Episodic ataxia type 2. Last evaluated: 2024-03-07. Review status: criteria provided, single submitter. Criteria: Invitae Variant Classification Sherloc (09022015). Collection method: clinical testing. Allele origin: germline.
Comment: This sequence change replaces proline, which is neutral and non-polar, with histidine, which is basic and polar, at codon 2095 of the CACNA1A protein (p.Pro2095His). This variant is not present in population databases (gnomAD no frequency). This variant has not been reported in the literature in individuals affected with CACNA1A-related conditions. Advanced modeling of protein sequence and biophysical properties (such as structural, functional, and spatial information, amino acid conservation, physicochemical variation, residue mobility, and thermodynamic stability) performed at Invitae indicates that this missense variant is expected to disrupt CACNA1A protein function with a positive predictive value of 95%. In summary, the available evidence is currently insufficient to determine the role of this variant in disease. Therefore, it has been classified as a Variant of Uncertain Significance.